The following is an entry in ClinVar:

NM_001170629.2(CHD8):c.7744dup (p.Ter2582LeuextTer?)

Gene: CHD8 (chromodomain helicase DNA binding protein 8; minus strand). Cytogenetic location: 14q11.2.
Variant type: Duplication.
Coding change: c.7744dup on transcript NM_001170629.2 (MANE Select); coding-DNA position 7744, one base duplicated (T; older notation c.7744dupT).
Protein change: p.Ter2582LeuextTer?.
Molecular consequence: frameshift variant, stop lost.
Genome position (GRCh38, 1-based): chr14:21,385,615, A duplicated on the plus strand (T on the coding strand, the reverse complement: CHD8 is on the minus strand). VCF-style (leftmost placement, unchanged base first): chr14-21385614-C-CA. GRCh37 (hg19) VCF-style: chr14-21853773-C-CA.
Other names: c.6907dup, p.Ter2303LeuextTer? (NM_020920.4).
Identifiers: ClinVar variation 2501457 (VCV002501457.1), dbSNP rs2501810853, ClinGen allele CA2580616551.

ClinVar aggregate classification (germline): Uncertain significance (1 of 4 stars; one submission).

Submission:

GeneDx
Classification: Uncertain significance. Last evaluated: 2022-11-08. Review status: criteria provided, single submitter. Criteria: GeneDx Variant Classification Process June 2021. Collection method: clinical testing. Allele origin: germline. Affected: yes.
Comment: Not observed at significant frequency in large population cohorts (gnomAD); Normal stop codon changed to a Leucine codon, leading to the addition of 41 amino acid at the C-terminus; Has not been previously published as pathogenic or benign to our knowledge